The following is an entry in ClinVar:

ClinVar aggregate classification (germline): Likely benign (1 of 4 stars; one submission).

gnomAD v4.1: 112 of 501,304 alleles (0.022%); highest among the groups gnomAD compares: East Asian, 0.092%; 17 homozygotes.

Submission:

CeGaT Center for Human Genetics Tuebingen
Classification: Likely benign. Last evaluated: 2026-01-01. Review status: criteria provided, single submitter. Criteria: CeGaT Center For Human Genetics Tuebingen Variant Classification Criteria Version 2. Collection method: clinical testing. Allele origin: germline. Affected: yes. Observed: 2 variant alleles.
Comment: PLIN4: BP4, BS2

NM_001367868.2(PLIN4):c.2248G>A (p.Gly750Arg)

Gene: PLIN4 (perilipin 4; minus strand). Cytogenetic location: 19p13.3.
Variant type: single nucleotide variant.
Coding change: c.2248G>A on transcript NM_001367868.2 (MANE Select); coding-DNA position 2248, G replaced by A.
Protein change: p.Gly750Arg; replaces glycine 750 with arginine.
Molecular consequence: missense variant.
Genome position (GRCh38, 1-based): chr19:4,511,712, C>T on the plus strand (G>A on the coding strand, the complement: PLIN4 is on the minus strand). VCF-style: chr19-4511712-C-T. GRCh37 (hg19) VCF-style: chr19-4511724-C-T.
Other names: c.2251G>A, p.Gly751Arg (NM_001393888.1, NM_001393889.1); c.2248G>A, p.Gly750Arg (NM_001393890.1, NM_001393891.1); short protein forms G750R, G751R.
Identifiers: ClinVar variation 4084323 (VCV004084323.8).